The following is an entry in ClinVar:

ClinVar aggregate classification (germline): Uncertain significance (1 of 4 stars; one submission).

Submission:

GeneDx
Classification: Uncertain significance. Last evaluated: 2022-09-28. Review status: criteria provided, single submitter. Criteria: GeneDx Variant Classification Process June 2021. Collection method: clinical testing. Allele origin: germline. Affected: yes.
Comment: Frameshift variant predicted to result in protein truncation or nonsense mediated decay in a gene or region of a gene for which loss of function is not a well-established mechanism of disease; Not observed at significant frequency in large population cohorts (gnomAD); Has not been previously published as pathogenic or benign to our knowledge

NM_018026.4(PACS1):c.2518_2519del (p.Lys840fs)

Gene: PACS1 (phosphofurin acidic cluster sorting protein 1; plus strand). Cytogenetic location: 11q13.2.
Variant type: Deletion.
Coding change: c.2518_2519del on transcript NM_018026.4 (MANE Select); coding-DNA positions 2518 to 2519, 2 bases deleted (AA; older notation c.2518_2519delAA).
Protein change: p.Lys840fs; shifts the reading frame from lysine 840.
Molecular consequence: frameshift variant.
Genome position (GRCh38, 1-based): chr11:66,241,515-66,241,516, AA deleted. VCF-style (leftmost placement, unchanged base first): chr11-66241514-CAA-C. GRCh37 (hg19) VCF-style: chr11-66008985-CAA-C.
Other names: short protein forms K840fs.
Identifiers: ClinVar variation 2446614 (VCV002446614.1), dbSNP rs2495607976, ClinGen allele CA2574884169.